The following is an entry in ClinVar:

ClinVar aggregate classification (germline): Pathogenic/Likely pathogenic. Review status: criteria provided, multiple submitters, no conflicts (2 of 4 stars). 3 submissions from 3 submitters: Pathogenic (2); Likely pathogenic (1). Last evaluated 2026-06-15.

Conditions:
X-linked Alport syndrome (ATS1). Also called: COL4A5-Related Nephropathy; NEPHROPATHY AND DEAFNESS, X-LINKED. Identifiers: Orphanet 63, Orphanet 88917, MedGen C4746986, MONDO:0010520, OMIM 301050.

Submissions (3):

Centre de Génétique Humaine, Institut de Pathologie Et de Génétique
Classification: Likely pathogenic for X-linked Alport syndrome. Last evaluated: 2026-06-15. Review status: criteria provided, single submitter. Criteria: ACMG Guidelines, 2015. Collection method: clinical testing. Allele origin: maternal. Inheritance: X-linked dominant inheritance. Affected: yes. Observed: 1 variant allele, 1 hemizygote. Segregation with disease observed.
Comment: This missense variant involves a highly conserved glycine located in a ‘Gly-X-Y’ motif in a non-collagenous/ collagenous boundary region (PM1,PP2). This variant is rare: absent in gnomAD v4.1.0 database (PM2). Two other missense variants affecting the same residue described as LP/P: c.1259G>A, p.Gly420Glu, PMID: 8940267 and c.1259G>T, p.Gly420Val, PMID: 9848783 (PM5). In silico analysis supports that this missense variant has a deleterious effect (PP3). Described as LP/P in ClinVar and in patiens with IgA nephropathy and X-linked AS (PP5)

Labcorp Genetics (formerly Invitae), Labcorp
Classification: Pathogenic. Last evaluated: 2024-03-16. Review status: criteria provided, single submitter. Criteria: Invitae Variant Classification Sherloc (09022015). Collection method: clinical testing. Allele origin: germline.
Comment: This sequence change replaces glycine, which is neutral and non-polar, with arginine, which is basic and polar, at codon 420 of the COL4A5 protein (p.Gly420Arg). This variant is not present in population databases (gnomAD no frequency). This missense change has been observed in individuals with clinical features of Alport syndrome (PMID: 32647767; Invitae). ClinVar contains an entry for this variant (Variation ID: 447199). Advanced modeling of protein sequence and biophysical properties (such as structural, functional, and spatial information, amino acid conservation, physicochemical variation, residue mobility, and thermodynamic stability) performed at Invitae indicates that this missense variant is expected to disrupt COL4A5 protein function with a positive predictive value of 95%. This variant disrupts the p.Gly420 amino acid residue in COL4A5. Other variant(s) that disrupt this residue have been observed in individuals with COL4A5-related conditions (PMID: 8940267, 9848783, 32647767), which suggests that this may be a clinically significant amino acid residue. For these reasons, this variant has been classified as Pathogenic.

Athena Diagnostics
Classification: Pathogenic. Last evaluated: 2018-06-13. Review status: criteria provided, single submitter. Criteria: Athena Diagnostics Criteria. Collection method: clinical testing. Allele origin: germline.

Literature cited by the submitters: PubMed 32647767 (cited by Centre de Génétique Humaine, Institut de Pathologie Et de Génétique and Labcorp Genetics (formerly Invitae), Labcorp); PubMed 39278986 (cited by Centre de Génétique Humaine, Institut de Pathologie Et de Génétique); PubMed 8940267 (cited by Labcorp Genetics (formerly Invitae), Labcorp); PubMed 9848783 (cited by Labcorp Genetics (formerly Invitae), Labcorp).

NM_033380.3(COL4A5):c.1258G>A (p.Gly420Arg)

Gene: COL4A5 (collagen type IV alpha 5 chain; plus strand). Cytogenetic location: Xq22.3.
Variant type: single nucleotide variant.
Coding change: c.1258G>A on transcript NM_033380.3 (MANE Select); coding-DNA position 1258, G replaced by A.
Protein change: p.Gly420Arg; replaces glycine 420 with arginine.
Molecular consequence: missense variant.
Genome position (GRCh38, 1-based): chrX:108,591,150, G>A. VCF-style: chrX-108591150-G-A. GRCh37 (hg19) VCF-style: chrX-107834380-G-A.
Other names: p.(Gly420Arg); c.1258G>A, p.Gly420Arg (NM_000495.5); short protein forms G420R.
Identifiers: ClinVar variation 447199 (VCV000447199.6), dbSNP rs1556410266, ClinGen allele CA413932671.